The following is an entry in ClinVar:

NM_000098.3(CPT2):c.1392_1396dup (p.Val466fs)

Gene: CPT2 (carnitine palmitoyltransferase 2; plus strand). Cytogenetic location: 1p32.3.
Variant type: Duplication.
Coding change: c.1392_1396dup on transcript NM_000098.3 (MANE Select); coding-DNA positions 1392 to 1396, 5 bases duplicated (CGCAG; older notation c.1392_1396dupCGCAG).
Protein change: p.Val466fs; shifts the reading frame from valine 466.
Molecular consequence: frameshift variant.
Genome position (GRCh38, 1-based): chr1:53,211,066-53,211,070, CGCAG duplicated. VCF-style (leftmost placement, unchanged base first): chr1-53211065-A-ACGCAG. GRCh37 (hg19) VCF-style: chr1-53676737-A-ACGCAG.
Other names: c.1392_1396dup, p.Val466fs (NM_001330589.2); c.1392_1396dup (NM_000098.2); short protein forms V466fs.
Identifiers: ClinVar variation 3241202 (VCV003241202.2), dbSNP rs2525590120.
Genomic context (GRCh38, chr1:53,211,065, plus strand): 5'-ACTGCGTCCAGTTTCAGAGAGGAGGCAAAGAATTCCTGAAGAAGCAAAAGCTGAGCCCTG[A>ACGCAG]CGCAGTTGCCCAGCTGGCATTCCAGATGGCCTTCCTGCGGCAGTACGGGCAGACAGTGGC-3'

ClinVar aggregate classification (germline): Likely pathogenic. Review status: criteria provided, multiple submitters, no conflicts (2 of 4 stars). 2 submissions from 2 submitters: Likely pathogenic (2). Last evaluated 2025-06-25.

Conditions:
Encephalopathy, acute, infection-induced, susceptibility to, 4. Identifiers: Orphanet 263524, MedGen C3280160, MONDO:0013633, OMIM 614212.
Carnitine palmitoyltransferase II deficiency. Also called: Carnitine Palmitoyltransferase 2 Deficiency. Identifiers: Orphanet 157, MedGen C0342790, MONDO:0015515.

Submissions (2):

Natera, Inc.
Classification: Likely pathogenic for Carnitine palmitoyltransferase II deficiency. Last evaluated: 2025-06-25. Review status: criteria provided, single submitter. Criteria: Natera Variant Classification Schema (03/2026). Collection method: clinical testing. Allele origin: germline.
Comment: The c.1392_1396dup variant in CPT2 is a frameshift variant predicted to shift the reading frame beginning at codon 466 and leads to a stop codon 68 codons downstream. This variant is expected to result in nonsense mediated decay, truncation, or a dysfunctional protein product. This variant is rare in the general population with a frequency below the threshold expected for the associated phenotype(s). Given the available evidence, this variant is classified as Likely Pathogenic.

Baylor Genetics
Classification: Likely pathogenic for Encephalopathy, acute, infection-induced, susceptibility to, 4. Last evaluated: 2024-02-22. Review status: criteria provided, single submitter. Criteria: ACMG Guidelines, 2015. Collection method: clinical testing. Allele origin: unknown.